The following is an entry in ClinVar:

NM_001369268.1(ACAN):c.607T>G (p.Trp203Gly)

Gene: ACAN (aggrecan; plus strand). Cytogenetic location: 15q26.1.
Variant type: single nucleotide variant.
Coding change: c.607T>G on transcript NM_001369268.1 (MANE Select); coding-DNA position 607, T replaced by G.
Protein change: p.Trp203Gly; replaces tryptophan 203 with glycine.
Molecular consequence: missense variant.
Genome position (GRCh38, 1-based): chr15:88,840,164, T>G. VCF-style: chr15-88840164-T-G. GRCh37 (hg19) VCF-style: chr15-89383395-T-G.
Other names: c.607T>G, p.Trp203Gly (NM_001135.4, NM_001411096.1, NM_001411097.1 and 1 more transcripts); short protein forms W203G.
Identifiers: ClinVar variation 3906540 (VCV003906540.1).
Genomic context (GRCh38, chr15:88,840,164, plus strand): 5'-GCCACGCCTGAGCAGCTGCAGGCCGCCTACGAAGACGGCTTCCACCAGTGTGACGCCGGC[T>G]GGCTGGCTGACCAGACTGTCAGGTGAGCCCTAGCCCATCAGCTAGTGGGGGCCAGGAGTC-3'
Protein context (NP_001356197.1, residues 193-213): EDGFHQCDAG[Trp203Gly]LADQTVRYPI

ClinVar aggregate classification (germline): Uncertain significance (1 of 4 stars; one submission).

Submission:

GeneDx
Classification: Uncertain significance. Last evaluated: 2024-12-19. Review status: criteria provided, single submitter. Criteria: GeneDx Variant Classification Process June 2021. Collection method: clinical testing. Allele origin: germline. Affected: yes.
Comment: Not observed at significant frequency in large population cohorts (gnomAD); In silico analysis supports that this missense variant has a deleterious effect on protein structure/function; Has not been previously published as pathogenic or benign to our knowledge